The following is an entry in ClinVar:

NM_000017.4(ACADS):c.337G>C (p.Gly113Arg)

Gene: ACADS (acyl-CoA dehydrogenase short chain; plus strand). Cytogenetic location: 12q24.31.
Variant type: single nucleotide variant.
Coding change: c.337G>C on transcript NM_000017.4 (MANE Select); coding-DNA position 337, G replaced by C.
Protein change: p.Gly113Arg; replaces glycine 113 with arginine.
Molecular consequence: missense variant.
Genome position (GRCh38, 1-based): chr12:120,737,112, G>C. VCF-style: chr12-120737112-G-C. GRCh37 (hg19) VCF-style: chr12-121174915-G-C.
Other names: c.337G>C, p.Gly113Arg (NM_001302554.2); short protein forms G113R.
Identifiers: ClinVar variation 4072817 (VCV004072817.1).

ClinVar aggregate classification (germline): Uncertain significance (1 of 4 stars; one submission).

Submission:

GeneDx
Classification: Uncertain significance. Last evaluated: 2025-02-04. Review status: criteria provided, single submitter. Criteria: GeneDx Variant Classification Process June 2021. Collection method: clinical testing. Allele origin: germline. Affected: yes.
Comment: Not observed at significant frequency in large population cohorts (gnomAD); In silico analysis supports that this missense variant has a deleterious effect on protein structure/function; Has not been previously published as pathogenic or benign to our knowledge